The following is an entry in ClinVar:

ClinVar aggregate classification (germline): Conflicting classifications of pathogenicity. Review status: criteria provided, conflicting classifications (1 of 4 stars). 6 submissions from 6 submitters: Uncertain significance (5); Likely benign (1). Last evaluated 2025-12-29.

Conditions:
Arrhythmogenic right ventricular dysplasia 11. Also called: Arrhythmogenic Right Ventricular Dysplasia/Cardiomyopathy11; ARRHYTHMOGENIC RIGHT VENTRICULAR DYSPLASIA, FAMILIAL, 11; Arrhythmogenic right ventricular dysplasia 11 with mild palmoplantar keratoderma and woolly hair. Identifiers: MedGen C1864850, MONDO:0012506, OMIM 610476.
Cardiovascular phenotype. Identifiers: MedGen CN230736.
Familial isolated arrhythmogenic right ventricular dysplasia. Identifiers: Orphanet 217656, MedGen C4274968, MONDO:0016342.
Cardiomyopathy (CMYO). Also called: Cardiomyopathies. Identifiers: Orphanet 167848, MedGen C0878544, MONDO:0004994, HP:0001638. Inheritance: Various modes of inheritance.

Allele frequency attached by ClinVar (database versions not stated): ExAC 0.00002; gnomAD exomes 0.00002 and 0.00005; TOPMed 0.00003; gnomAD 0.00003.

Submissions (6):

Labcorp Genetics (formerly Invitae), Labcorp
Classification: Uncertain significance for Arrhythmogenic right ventricular dysplasia 11. Last evaluated: 2025-12-29. Review status: criteria provided, single submitter. Criteria: Invitae Variant Classification Sherloc (09022015). Collection method: clinical testing. Allele origin: germline.
Comment: This sequence change replaces threonine, which is neutral and polar, with asparagine, which is neutral and polar, at codon 340 of the DSC2 protein (p.Thr340Asn). This variant is present in population databases (rs757065157, gnomAD 0.02%). This variant has not been reported in the literature in individuals affected with DSC2-related conditions. ClinVar contains an entry for this variant (Variation ID: 387473). Invitae Evidence Modeling of protein sequence and biophysical properties (such as structural, functional, and spatial information, amino acid conservation, physicochemical variation, residue mobility, and thermodynamic stability) indicates that this missense variant is not expected to disrupt DSC2 protein function with a negative predictive value of 80%. In summary, the available evidence is currently insufficient to determine the role of this variant in disease. Therefore, it has been classified as a Variant of Uncertain Significance.

Ambry Genetics
Classification: Likely benign for Cardiovascular phenotype. Last evaluated: 2024-09-12. Review status: criteria provided, single submitter. Criteria: Ambry Variant Classification Scheme 2023. Collection method: clinical testing. Allele origin: germline.

All of Us Research Program, National Institutes of Health
Classification: Uncertain significance for Familial isolated arrhythmogenic right ventricular dysplasia. Last evaluated: 2024-03-24. Review status: criteria provided, single submitter. Criteria: ACMG Guidelines, 2015. Collection method: clinical testing. Allele origin: germline. Inheritance: Autosomal dominant inheritance. Observed: 12 variant alleles, 12 heterozygotes.
Comment: This missense variant replaces threonine with asparagine at codon 340 of the DSC2 protein. Computational prediction suggests that this variant may not impact protein structure and function (internally defined REVEL score threshold <= 0.5, PMID: 27666373). To our knowledge, functional studies have not been reported for this variant. This variant has not been reported in individuals affected with cardiovascular disorders in the literature. This variant has been identified in 13/250990 chromosomes in the general population by the Genome Aggregation Database (gnomAD). The available evidence is insufficient to determine the role of this variant in disease conclusively. Therefore, this variant is classified as a Variant of Uncertain Significance.

This study involves interpretation of variants in research participants for the purpose of population health screening. Participant phenotype was not available at the time of variant classification. Additional details can be found in publication PMID: 35346344, PMCID: PMC8962531

Color Diagnostics, LLC DBA Color Health
Classification: Uncertain significance for Cardiomyopathy. Last evaluated: 2024-03-06. Review status: criteria provided, single submitter. Criteria: ACMG Guidelines, 2015. Collection method: clinical testing. Allele origin: germline.
Comment: This missense variant replaces threonine with asparagine at codon 340 of the DSC2 protein. Computational prediction suggests that this variant may not impact protein structure and function (internally defined REVEL score threshold <= 0.5, PMID: 27666373). To our knowledge, functional studies have not been reported for this variant. This variant has not been reported in individuals affected with cardiovascular disorders in the literature. This variant has been identified in 13/250990 chromosomes in the general population by the Genome Aggregation Database (gnomAD). The available evidence is insufficient to determine the role of this variant in disease conclusively. Therefore, this variant is classified as a Variant of Uncertain Significance.

Fulgent Genetics
Classification: Uncertain significance for Arrhythmogenic right ventricular dysplasia 11. Last evaluated: 2021-10-11. Review status: criteria provided, single submitter. Criteria: ACMG Guidelines, 2015. Collection method: clinical testing. Allele origin: unknown.

GeneDx
Classification: Uncertain significance. Last evaluated: 2020-03-16. Review status: criteria provided, single submitter. Criteria: GeneDx Variant Classification Process June 2021. Collection method: clinical testing. Allele origin: germline. Affected: yes.
Comment: Has not been previously published as pathogenic or benign to our knowledge; In silico analysis supports that this missense variant has a deleterious effect on protein structure/function; Reported in ClinVar (ClinVar Variant ID# 387473; Landrum et al., 2016)

NM_024422.6(DSC2):c.1019C>A (p.Thr340Asn)

Gene: DSC2 (desmocollin 2; minus strand). Cytogenetic location: 18q12.1.
Variant type: single nucleotide variant.
Coding change: c.1019C>A on transcript NM_024422.6 (MANE Select); coding-DNA position 1019, C replaced by A.
Protein change: p.Thr340Asn; replaces threonine 340 with asparagine.
Molecular consequence: missense variant.
Genome position (GRCh38, 1-based): chr18:31,082,984, G>T on the plus strand (C>A on the coding strand, the complement: DSC2 is on the minus strand). VCF-style: chr18-31082984-G-T. GRCh37 (hg19) VCF-style: chr18-28662950-G-T.
Other names: c.1019C>A, p.Thr340Asn (NM_004949.5); short protein forms T340N.
Identifiers: ClinVar variation 387473 (VCV000387473.23), dbSNP rs757065157, ClinGen allele CA029235.